The following is an entry in ClinVar:

ClinVar aggregate classification (germline): Pathogenic (1 of 4 stars; one submission).

Conditions:
Inborn genetic diseases. Identifiers: MedGen C0950123, MeSH D030342.

Submission:

Ambry Genetics
Classification: Pathogenic for Inborn genetic diseases. Last evaluated: 2025-09-22. Review status: criteria provided, single submitter. Criteria: Ambry Variant Classification Scheme 2023. Collection method: clinical testing. Allele origin: germline.
Comment: The c.1091_1092delAA (p.K364Rfs*4) alteration, located in exon 8 (coding exon 7) of the LARP7 gene, consists of a deletion of 2 nucleotides from position 1091 to 1092, causing a translational frameshift with a predicted alternate stop codon after 4 amino acids. This alteration is expected to result in loss of function by premature protein truncation or nonsense-mediated mRNA decay. This variant was not reported in population-based cohorts in the Genome Aggregation Database (gnomAD). Based on the available evidence, this alteration is classified as pathogenic.

NM_016648.4(LARP7):c.1091_1092del (p.Lys364fs)

Genes: LARP7 (La ribonucleoprotein 7, transcriptional regulator; plus strand), MIR302CHG (miR-302/367 cluster host gene; minus strand). Cytogenetic location: 4q25.
Variant type: Deletion.
Coding change: c.1091_1092del on transcript NM_016648.4 (MANE Select); coding-DNA positions 1091 to 1092, 2 bases deleted (AA; older notation c.1091_1092delAA).
Protein change: p.Lys364fs; shifts the reading frame from lysine 364.
Molecular consequence: frameshift variant.
Genome position (GRCh38, 1-based): chr4:112,647,783-112,647,784, AA deleted; deleting any 2 consecutive bases within chr4:112,647,782-112,647,784 gives the same sequence; the c. name uses the placement nearest the transcript's 3' end. VCF-style (leftmost placement, unchanged base first): chr4-112647781-TAA-T. GRCh37 (hg19) VCF-style: chr4-113568937-TAA-T.
Other names: c.1091_1092del, p.Lys364fs (NM_001267039.4, NM_001370978.1, NM_015454.3); c.1130_1131del, p.Lys377fs (NM_001370974.1, NM_001370975.1); c.1127_1128del, p.Lys376fs (NM_001370976.1, NM_001370977.1); c.1088_1089del, p.Lys363fs (NM_001370979.1, NM_001370980.1); c.854_855del, p.Lys285fs (NM_001370981.1, NM_001370982.1); short protein forms K364fs, K363fs, K376fs, K285fs, K377fs.
Identifiers: ClinVar variation 4623551 (VCV004623551.1).